The following is an entry in ClinVar:

NM_005529.7(HSPG2):c.5648C>T (p.Ala1883Val)

Gene: HSPG2 (heparan sulfate proteoglycan 2; minus strand). Cytogenetic location: 1p36.12.
Variant type: single nucleotide variant.
Coding change: c.5648C>T on transcript NM_005529.7 (MANE Select); coding-DNA position 5648, C replaced by T.
Protein change: p.Ala1883Val; replaces alanine 1883 with valine.
Molecular consequence: missense variant.
Genome position (GRCh38, 1-based): chr1:21,855,840, G>A on the plus strand (C>T on the coding strand, the complement: HSPG2 is on the minus strand). VCF-style: chr1-21855840-G-A. GRCh37 (hg19) VCF-style: chr1-22182333-G-A.
Other names: c.5651C>T, p.Ala1884Val (NM_001291860.2); short protein forms A1883V, A1884V.
Identifiers: ClinVar variation 284377 (VCV000284377.29), dbSNP rs140954748, ClinGen allele CA671844.

ClinVar aggregate classification (germline): Conflicting classifications of pathogenicity. Review status: criteria provided, conflicting classifications (1 of 4 stars). 10 submissions from 9 submitters: Uncertain significance (8); Likely benign (2). Last evaluated 2025-12-10.

Conditions:
Lethal Kniest-like syndrome (DDSH). Also called: Dyssegmental Dysplasia. Identifiers: Orphanet 1865, MedGen C1857100, MONDO:0009140, OMIM 224410.
Schwartz-Jampel syndrome. Also called: Myotonic myopathy dwarfism chondrodystrophy and ocular and facial abnormalities. Identifiers: Orphanet 800, MedGen C0036391, MONDO:0009717.
HSPG2-related disorder. Also called: HSPG2-related condition; HSPG2-related disorders.

Allele frequency attached by ClinVar (database versions not stated): TOPMed 0.00068; gnomAD 0.00072 and 0.00078; ESP Exome Variant Server 0.00085; gnomAD exomes 0.00090 and 0.00063; ExAC 0.00061.

Submissions (10):

PreventionGenetics, part of Exact Sciences
Classification: Uncertain significance for HSPG2-related condition. Last evaluated: 2025-12-10. Review status: criteria provided, single submitter. Criteria: ACMG Guidelines, 2015. Collection method: clinical testing. Allele origin: germline.
Comment: The HSPG2 c.5648C>T variant is predicted to result in the amino acid substitution p.Ala1883Val. To our knowledge, this variant has not been reported in the literature. This variant is reported in 0.12% of alleles in individuals of European (non-Finnish) descent in gnomAD. At this time, the clinical significance of this variant is uncertain due to the absence of conclusive functional and genetic evidence.

Athena Diagnostics
Classification: Likely benign. Last evaluated: 2024-09-30. Review status: criteria provided, single submitter. Criteria: Athena Diagnostics Criteria. Collection method: clinical testing. Allele origin: unknown.

Labcorp Genetics (formerly Invitae), Labcorp
Classification: Uncertain significance. Last evaluated: 2022-07-06. Review status: criteria provided, single submitter. Criteria: Invitae Variant Classification Sherloc (09022015). Collection method: clinical testing. Allele origin: germline.
Comment: This sequence change replaces alanine, which is neutral and non-polar, with valine, which is neutral and non-polar, at codon 1883 of the HSPG2 protein (p.Ala1883Val). This variant is present in population databases (rs140954748, gnomAD 0.1%), and has an allele count higher than expected for a pathogenic variant. This variant has not been reported in the literature in individuals affected with HSPG2-related conditions. ClinVar contains an entry for this variant (Variation ID: 284377). Algorithms developed to predict the effect of missense changes on protein structure and function output the following: SIFT: "Deleterious"; PolyPhen-2: "Benign"; Align-GVGD: "Class C0". The valine amino acid residue is found in multiple mammalian species, which suggests that this missense change does not adversely affect protein function. In summary, the available evidence is currently insufficient to determine the role of this variant in disease. Therefore, it has been classified as a Variant of Uncertain Significance.

GeneDx
Classification: Likely benign. Last evaluated: 2020-08-10. Review status: criteria provided, single submitter. Criteria: GeneDx Variant Classification Process June 2021. Collection method: clinical testing. Allele origin: germline. Affected: yes.

Revvity Omics, Revvity
Classification: Uncertain significance. Last evaluated: 2020-07-08. Review status: criteria provided, single submitter. Criteria: ACMG Guidelines, 2015. Collection method: clinical testing. Allele origin: germline.

ARUP Laboratories, Molecular Genetics and Genomics, ARUP Laboratories
Classification: Uncertain significance. Last evaluated: 2019-06-27. Review status: criteria provided, single submitter. Criteria: ARUP Molecular Germline Variant Investigation Process. Collection method: clinical testing. Allele origin: germline.

Fulgent Genetics
Classification: Uncertain significance for Lethal Kniest-like syndrome; Schwartz-Jampel syndrome type 1. Last evaluated: 2018-10-31. Review status: criteria provided, single submitter. Criteria: ACMG Guidelines, 2015. Collection method: clinical testing. Allele origin: unknown.

Illumina Laboratory Services, Illumina
Classification: Uncertain significance for Schwartz-Jampel syndrome type 1. Last evaluated: 2018-01-13. Review status: criteria provided, single submitter. Criteria: ICSL Variant Classification Criteria 13 December 2019. Collection method: clinical testing. Allele origin: germline.

Illumina Laboratory Services, Illumina
Classification: Uncertain significance for Lethal Kniest-like syndrome. Last evaluated: 2018-01-13. Review status: criteria provided, single submitter. Criteria: ICSL Variant Classification Criteria 13 December 2019. Collection method: clinical testing. Allele origin: germline.

Eurofins Ntd Llc (ga)
Classification: Uncertain significance. Last evaluated: 2017-11-30. Review status: criteria provided, single submitter. Criteria: EGL Classification Definitions 2015. Collection method: clinical testing. Allele origin: germline. Observed: 2 variant alleles, 2 heterozygotes.

Literature cited by the submitters: PubMed 25504735 (cited by Athena Diagnostics).